The following is an entry in ClinVar:

NM_000181.4(GUSB):c.293G>A (p.Trp98Ter)

Gene: GUSB (glucuronidase beta; minus strand). Cytogenetic location: 7q11.21.
Variant type: single nucleotide variant.
Coding change: c.293G>A on transcript NM_000181.4 (MANE Select); coding-DNA position 293, G replaced by A.
Protein change: p.Trp98Ter; replaces tryptophan 98 with a stop codon.
Molecular consequence: nonsense. On other transcripts: 5 prime UTR variant (2), non-coding transcript variant (1).
Genome position (GRCh38, 1-based): chr7:65,980,327, C>T on the plus strand (G>A on the coding strand, the complement: GUSB is on the minus strand). VCF-style: chr7-65980327-C-T. GRCh37 (hg19) VCF-style: chr7-65445314-C-T.
Other names: c.293G>A, p.Trp98Ter (NM_001284290.2); c.-93G>A (NM_001293104.2); c.-37G>A (NM_001293105.2); short protein forms W98*.
Identifiers: ClinVar variation 4808486 (VCV004808486.1).

ClinVar aggregate classification (germline): Pathogenic (1 of 4 stars; one submission).

Conditions:
Mucopolysaccharidosis type 7 (MPS7). Also called: MPS VII; BETA-GLUCURONIDASE DEFICIENCY; GUSB DEFICIENCY; SLY SYNDROME. Identifiers: Orphanet 584, MedGen C0085132, MONDO:0009662, OMIM 253220.

Submission:

Labcorp Genetics (formerly Invitae), Labcorp
Classification: Pathogenic for Mucopolysaccharidosis type 7. Last evaluated: 2026-01-24. Review status: criteria provided, single submitter. Criteria: Invitae Variant Classification Sherloc (09022015). Collection method: clinical testing. Allele origin: germline.
Comment: This sequence change creates a premature translational stop signal (p.Trp98*) in the GUSB gene. It is expected to result in an absent or disrupted protein product. Loss-of-function variants in GUSB are known to be pathogenic (PMID: 19224584). This variant is not present in population databases (gnomAD no frequency). This variant has not been reported in the literature in individuals affected with GUSB-related conditions. For these reasons, this variant has been classified as Pathogenic.

Literature cited by the submitters: PubMed 19224584.